The following is an entry in ClinVar:

ClinVar aggregate classification (germline): Benign/Likely benign. Review status: criteria provided, multiple submitters, no conflicts (2 of 4 stars). 3 submissions from 3 submitters: Benign (1); Likely benign (2). Last evaluated 2026-07-10.

Conditions:
Rhabdoid tumor predisposition syndrome 2 (RTPS2). Identifiers: Orphanet 231108, Orphanet 69077, MedGen C2750074, MONDO:0013224, OMIM 613325.
Hereditary cancer-predisposing syndrome. Also called: Hereditary neoplastic syndrome; Neoplastic Syndromes, Hereditary; Tumor predisposition; Hereditary Cancer Syndrome. Identifiers: Orphanet 140162, MedGen C0027672, MeSH D009386, MONDO:0015356.

Submissions (3):

Myriad Genetics, Inc.
Classification: Benign for Rhabdoid tumor predisposition syndrome 2. Last evaluated: 2026-07-10. Review status: criteria provided, single submitter. Criteria: Myriad Autosomal Dominant, Autosomal Recessive and X-Linked Classification Criteria (2023). Collection method: clinical testing. Allele origin: unknown.
Comment: This variant is considered benign. This variant is a silent/synonymous amino acid change and it is not expected to impact splicing.

Labcorp Genetics (formerly Invitae), Labcorp
Classification: Likely benign for Rhabdoid tumor predisposition syndrome 2. Last evaluated: 2025-01-07. Review status: criteria provided, single submitter. Criteria: Invitae Variant Classification Sherloc (09022015). Collection method: clinical testing. Allele origin: germline.

Ambry Genetics
Classification: Likely benign for Hereditary cancer-predisposing syndrome. Last evaluated: 2019-01-09. Review status: criteria provided, single submitter. Criteria: Ambry Variant Classification Scheme 2023. Collection method: clinical testing. Allele origin: germline.

NM_003072.5(SMARCA4):c.1476C>G (p.Ser492=)

Gene: SMARCA4 (SWI/SNF related BAF chromatin remodeling complex subunit ATPase 4; plus strand). Cytogenetic location: 19p13.2.
Variant type: single nucleotide variant.
Coding change: c.1476C>G on transcript NM_003072.5 (MANE Select); coding-DNA position 1476, C replaced by G.
Protein change: p.Ser492=; no amino-acid change (serine 492 retained).
Molecular consequence: synonymous variant. On other transcripts: non-coding transcript variant (1).
Genome position (GRCh38, 1-based): chr19:10,994,884, C>G. VCF-style: chr19-10994884-C-G. GRCh37 (hg19) VCF-style: chr19-11105560-C-G.
Other names: c.1476C>G, p.Ser492= (NM_001128844.3, NM_001128845.2, NM_001128846.2 and 4 more transcripts).
Identifiers: ClinVar variation 819285 (VCV000819285.14), dbSNP rs528531511, ClinGen allele CA505490312.
Genomic context (GRCh38, chr19:10,994,884, plus strand): 5'-GCAGGAATACCTCAATAGCATTCTCCAGCATGCCAAGGATTTCAAGGAATATCACAGATC[C>G]GTCACAGGCAAAATCCAGAAGCTGACCAAGGCAGTGGCCACGTACCATGCCAACACGGAG-3'
Protein context (NP_003063.2, residues 482-502): HAKDFKEYHR[Ser492=]VTGKIQKLTK